The following is an entry in ClinVar:

ClinVar aggregate classification (germline): Uncertain significance. Review status: criteria provided, multiple submitters, no conflicts (2 of 4 stars). 3 submissions from 3 submitters: Uncertain significance (3). Last evaluated 2026-05-22.

Conditions:
Inborn genetic diseases. Identifiers: MedGen C0950123, MeSH D030342.
Pyogenic arthritis-pyoderma gangrenosum-acne syndrome (PAPA). Also called: PAPA SYNDROME; FAMILIAL RECURRENT ARTHRITIS. Identifiers: Orphanet 69126, MedGen C1858361, MONDO:0011462, OMIM 604416.
PSTPIP1-related disorder. Also called: PSTPIP1-related condition.

Allele frequency attached by ClinVar (database versions not stated): gnomAD exomes below 0.00001; TOPMed 0.00002.
gnomAD v4.1: 5 of 1,612,398 alleles (0.00031%); highest among the groups gnomAD compares: African/African-American, 0.0027%; no homozygotes.

Submissions (3):

PreventionGenetics, part of Exact Sciences
Classification: Uncertain significance for PSTPIP1-related condition. Last evaluated: 2026-05-22. Review status: criteria provided, single submitter. Criteria: ACMG Guidelines, 2015. Collection method: clinical testing. Allele origin: germline.
Comment: The PSTPIP1 c.755T>C variant is predicted to result in the amino acid substitution p.Val252Ala. To our knowledge, this variant has not been reported in the literature. This variant is reported in 0.0066% of alleles in individuals of African descent in gnomAD. At this time, the clinical significance of this variant is uncertain due to the absence of conclusive functional and genetic evidence.

Labcorp Genetics (formerly Invitae), Labcorp
Classification: Uncertain significance for Pyogenic arthritis-pyoderma gangrenosum-acne syndrome. Last evaluated: 2024-02-17. Review status: criteria provided, single submitter. Criteria: Invitae Variant Classification Sherloc (09022015). Collection method: clinical testing. Allele origin: germline.
Comment: This sequence change replaces valine, which is neutral and non-polar, with alanine, which is neutral and non-polar, at codon 252 of the PSTPIP1 protein (p.Val252Ala). This variant is present in population databases (no rsID available, gnomAD 0.007%). This variant has not been reported in the literature in individuals affected with PSTPIP1-related conditions. ClinVar contains an entry for this variant (Variation ID: 959787). Advanced modeling of protein sequence and biophysical properties (such as structural, functional, and spatial information, amino acid conservation, physicochemical variation, residue mobility, and thermodynamic stability) performed at Invitae indicates that this missense variant is not expected to disrupt PSTPIP1 protein function with a negative predictive value of 80%. In summary, the available evidence is currently insufficient to determine the role of this variant in disease. Therefore, it has been classified as a Variant of Uncertain Significance.

Ambry Genetics
Classification: Uncertain significance for Inborn genetic diseases. Last evaluated: 2021-09-17. Review status: criteria provided, single submitter. Criteria: Ambry Variant Classification Scheme 2023. Collection method: clinical testing. Allele origin: germline.

NM_003978.5(PSTPIP1):c.755T>C (p.Val252Ala)

Gene: PSTPIP1 (proline-serine-threonine phosphatase interacting protein 1; plus strand). Cytogenetic location: 15q24.3.
Variant type: single nucleotide variant.
Coding change: c.755T>C on transcript NM_003978.5 (MANE Select); coding-DNA position 755, T replaced by C.
Protein change: p.Val252Ala; replaces valine 252 with alanine.
Molecular consequence: missense variant.
Genome position (GRCh38, 1-based): chr15:77,032,311, T>C. VCF-style: chr15-77032311-T-C. GRCh37 (hg19) VCF-style: chr15-77324652-T-C.
Other names: c.755T>C (NM_003978.4); c.755T>C, p.Val252Ala (NM_001321135.2); c.728T>C, p.Val243Ala (NM_001321136.2); c.950T>C, p.Val317Ala (NM_001321137.1); short protein forms V252A, V243A, V317A.
Identifiers: ClinVar variation 959787 (VCV000959787.11), dbSNP rs970904080, ClinGen allele CA273759845.